The following is an entry in ClinVar:

NM_000117.3(EMD):c.650_654dup (p.Gln219fs)

Gene: EMD (emerin; plus strand). Cytogenetic location: Xq28.
Variant type: Microsatellite.
Coding change: c.650_654dup on transcript NM_000117.3 (MANE Select); coding-DNA positions 650 to 654, 5 bases duplicated (TGGGC; older notation c.650_654dupTGGGC).
Protein change: p.Gln219fs; shifts the reading frame from glutamine 219.
Molecular consequence: frameshift variant.
Genome position (GRCh38, 1-based): chrX:154,381,082-154,381,086, TGGGC duplicated; duplicating any 5 consecutive bases within chrX:154,381,073-154,381,086 gives the same sequence; the c. name uses the placement nearest the transcript's 3' end. VCF-style (leftmost placement, unchanged base first): chrX-154381072-G-GGGGCT. GRCh37 (hg19) VCF-style: chrX-153609432-G-GGGGCT.
Other names: p.Gln219TrpfsX20; c.650_654dupTGGGC (NM_000117.2); c.650_654dup (NM_000117.2); short protein forms Q219fs.
Identifiers: ClinVar variation 179133 (VCV000179133.14), dbSNP rs730880352, ClinGen allele CA273589.

ClinVar aggregate classification (germline): Pathogenic/Likely pathogenic. Review status: criteria provided, multiple submitters, no conflicts (2 of 4 stars). 6 submissions from 6 submitters: Pathogenic (4); Likely pathogenic (2). Last evaluated 2024-11-11.

Conditions:
Emery-Dreifuss muscular dystrophy 1, X-linked (EDMD1). Also called: SCAPULOPERONEAL SYNDROME, X-LINKED; HUMEROPERONEAL NEUROMUSCULAR DISEASE; Muscular dystrophy, tardive, Dreifuss-Emery type, with contractures; EMD-Related Emery-Dreifuss Muscular Dystrophy, X-Linked. Identifiers: MedGen CN375556, MONDO:0100531, OMIM 310300.
Neuromuscular disease. Also called: Neuromyopathy; Neuromuscular disorder. Identifiers: Orphanet 68381, MedGen C0027868, MeSH D009468, MONDO:0019056.
X-linked Emery-Dreifuss muscular dystrophy. Also called: Muscular dystrophy, tardive Emery-Dreifuss type, with contractures. Identifiers: Orphanet 261, Orphanet 98863, MedGen C0751337, MONDO:0010680.

Submissions (6):

Labcorp Genetics (formerly Invitae), Labcorp
Classification: Pathogenic for X-linked Emery-Dreifuss muscular dystrophy. Last evaluated: 2024-11-11. Review status: criteria provided, single submitter. Criteria: Invitae Variant Classification Sherloc (09022015). Collection method: clinical testing. Allele origin: germline.
Comment: This sequence change creates a premature translational stop signal (p.Gln219Trpfs*20) in the EMD gene. While this is not anticipated to result in nonsense mediated decay, it is expected to disrupt the last 36 amino acid(s) of the EMD protein. This variant is not present in population databases (gnomAD no frequency). This premature translational stop signal has been observed in individual(s) with Emery-Dreifuss muscular dystrophy (PMID: 8595406, 17355552, 18646565, 31474437). It has also been observed to segregate with disease in related individuals. This variant is also known as 1712_1713ins TGGGC. For these reasons, this variant has been classified as Pathogenic.

GeneDx
Classification: Likely pathogenic. Last evaluated: 2024-06-20. Review status: criteria provided, single submitter. Criteria: GeneDx Variant Classification Process June 2021. Collection method: clinical testing. Allele origin: germline. Affected: yes.
Comment: Frameshift variant predicted to result in abnormal protein length as the last 36 amino acids are replaced with 19 different amino acids, and other similar variants have been reported in HGMD; Not observed at significant frequency in large population cohorts (gnomAD); This variant is associated with the following publications: (PMID: 17355552, 9472006, 31474437, 10220866, 8595406, 18646565)

Revvity Omics, Revvity
Classification: Pathogenic for Emery-Dreifuss muscular dystrophy 1, X-linked. Last evaluated: 2023-12-08. Review status: criteria provided, single submitter. Criteria: ACMG Guidelines, 2015. Collection method: clinical testing. Allele origin: germline.

Victorian Clinical Genetics Services, Murdoch Childrens Research Institute
Classification: Pathogenic for Emery-Dreifuss muscular dystrophy 1, X-linked. Last evaluated: 2022-03-31. Review status: criteria provided, single submitter. Criteria: ACMG Guidelines, 2015. Collection method: clinical testing. Allele origin: germline. Inheritance: X-linked recessive inheritance.
Comment: Based on the classification scheme VCGS_Germline_v1.3.4, this variant is classified as Pathogenic. Following criteria are met: 0102 - Loss of function is a known mechanism of disease in this gene and is associated with Emery-Dreifuss muscular dystrophy 1 (MIM#310300). (I) 0109 - This gene is associated with X-linked recessive disease. (I) 0205 - Variant is predicted to result in a truncated protein (premature termination codon is NOT located at least 54 nucleotides upstream of the final exon-exon junction with less than 1/3 of the protein sequence affected. (SP) 0253 - This variant is hemizygous. (I) 0301 - Variant is absent from gnomAD (both v2 and v3). (SP) 0702 - Other truncation variants comparable to the one identified in this case have strong previous evidence for pathogenicity (ClinVar). (SP) 0801 - This variant has strong previous evidence of pathogenicity in unrelated individuals. This variant has been reported in individuals with Emery-Dreifuss muscular dystrophy (PMID: 8595406, 17355552). A different c. change which results in the same p. change (c.640_644dup; p.Q219Wfs*20) has also been reported as likely pathogenic and pathogenic (ClinVar). (SP) 1208 - Inheritance information for this variant is not currently available in this individual. (I) Legend: (SP) - Supporting pathogenic, (I) - Information, (SB) - Supporting benign

MGZ Medical Genetics Center
Classification: Likely pathogenic for Emery-Dreifuss muscular dystrophy 1, X-linked. Last evaluated: 2022-02-15. Review status: criteria provided, single submitter. Criteria: ACMG Guidelines, 2015. Collection method: clinical testing. Allele origin: germline. Affected: yes. Observed: 1 variant allele.
Comment: ACMG criteria applied: PVS1_mod, PS4_MOD, PM2_SUP, PP1

Laboratory for Molecular Medicine, Mass General Brigham Personalized Medicine
Classification: Pathogenic for Neuromuscular disease. Last evaluated: 2013-07-19. Review status: criteria provided, single submitter. Criteria: LMM Criteria. Collection method: clinical testing. Allele origin: germline. Inheritance: X-linked inheritance. Observed: 1 variant allele.
Comment: The Gln219fs variant in EMD has been reported in 3 males with Emery-Dreifuss mus cular dystrophy and segregated with disease in >5 affected males from 1 family ( variant reported as 1712_1713insTGGGC; Klauck 1995, Funakoshi 1999, Ifergane 200 7). This frameshift variant is predicted to alter the protein?s amino acid seque nce beginning at position 219 and lead to a premature termination codon 20 amino acids downstream. This alteration is then predicted to lead to a truncated or a bsent protein. Truncating variants in EMD are an established cause of EDMD. In s ummary, the Gln219fs variant meets our criteria for pathogenicity (.) based on the predicted impact of the variant.

Literature cited by the submitters: PubMed 8595406 (cited by 3 submitters); PubMed 17355552 (cited by 3 submitters); PubMed 18646565 (cited by Labcorp Genetics (formerly Invitae), Labcorp); PubMed 31474437 (cited by Labcorp Genetics (formerly Invitae), Labcorp); PubMed 10220866 (cited by Laboratory for Molecular Medicine, Mass General Brigham Personalized Medicine).